The following is an entry in ClinVar:

NM_015311.3(OBSL1):c.-42T>C

Gene: OBSL1 (obscurin like cytoskeletal adaptor 1; minus strand). Cytogenetic location: 2q35.
Variant type: single nucleotide variant.
Coding change: c.-42T>C on transcript NM_015311.3 (MANE Select); 42 bases upstream of the start codon, T replaced by C.
Molecular consequence: 5 prime UTR variant.
Genome position (GRCh38, 1-based): chr2:219,571,274, A>G on the plus strand (T>C on the coding strand, the complement: OBSL1 is on the minus strand). VCF-style: chr2-219571274-A-G. GRCh37 (hg19) VCF-style: chr2-220435996-A-G.
Other names: c.-42T>C (NM_001173408.2, NM_001173431.2).
Identifiers: ClinVar variation 334543 (VCV000334543.6), dbSNP rs879691022, ClinGen allele CA2131854.

ClinVar aggregate classification (germline): Benign. Review status: criteria provided, multiple submitters, no conflicts (2 of 4 stars). 2 submissions from 2 submitters: Benign (2). Last evaluated 2018-01-13.

Conditions:
3M syndrome 2. Also called: 3-M Syndrome, OBSL1-Related; THREE M SYNDROME 2. Identifiers: Orphanet 2616, MedGen C2752041, MONDO:0013039, OMIM 612921.

Allele frequency attached by ClinVar (database versions not stated): gnomAD exomes 0.01980; ExAC 0.04545.

Submissions (2):

Illumina Laboratory Services, Illumina
Classification: Benign for 3M syndrome 2. Last evaluated: 2018-01-13. Review status: criteria provided, single submitter. Criteria: ICSL Variant Classification Criteria 13 December 2019. Collection method: clinical testing. Allele origin: germline.
Comment: This variant was observed in the ICSL laboratory as part of a predisposition screen in an ostensibly healthy population. It had not been previously curated by ICSL or reported in the Human Gene Mutation Database (HGMD: prior to June 1st, 2018), and was therefore a candidate for classification through an automated scoring system. Utilizing variant allele frequency, disease prevalence and penetrance estimates, and inheritance mode, an automated score was calculated to assess if this variant is too frequent to cause the disease. Based on the score and internal cut-off values, a variant classified as benign is not then subjected to further curation. The score for this variant resulted in a classification of benign for this disease.

Breakthrough Genomics
Classification: Benign. Review status: criteria provided, single submitter. Criteria: ACMG Guidelines, 2015. Collection method: not provided. Allele origin: germline. Inheritance: Autosomal recessive inheritance. Affected: yes.